The following is an entry in ClinVar:

NM_004725.4(BUB3):c.892A>G (p.Met298Val)

Gene: BUB3 (BUB3 mitotic checkpoint protein; plus strand). Cytogenetic location: 10q26.13.
Variant type: single nucleotide variant.
Coding change: c.892A>G on transcript NM_004725.4 (MANE Select); coding-DNA position 892, A replaced by G.
Protein change: p.Met298Val; replaces methionine 298 with valine.
Molecular consequence: missense variant.
Genome position (GRCh38, 1-based): chr10:123,162,749, A>G. VCF-style: chr10-123162749-A-G. GRCh37 (hg19) VCF-style: chr10-124922265-A-G.
Other names: c.892A>G, p.Met298Val (NM_001007793.3); short protein forms M298V.
Identifiers: ClinVar variation 3224526 (VCV003224526.1), dbSNP rs1844441624, ClinGen allele CA378627138.

ClinVar aggregate classification (germline): Uncertain significance (1 of 4 stars; one submission).

Allele frequency attached by ClinVar (database versions not stated): gnomAD exomes below 0.00001; TOPMed below 0.00001.
gnomAD v4.1: 2 of 1,614,038 alleles (0.00012%); highest among the groups gnomAD compares: Non-Finnish European, 0.00017%; no homozygotes.

Submission:

Ambry Genetics
Classification: Uncertain significance. Last evaluated: 2023-10-05. Review status: criteria provided, single submitter. Criteria: Ambry Variant Classification Scheme 2023. Collection method: clinical testing. Allele origin: germline.
Comment: The p.M298V variant (also known as c.892A>G), located in coding exon 6 of the BUB3 gene, results from an A to G substitution at nucleotide position 892. The methionine at codon 298 is replaced by valine, an amino acid with highly similar properties. This amino acid position is conserved. In addition, the in silico prediction for this alteration is inconclusive. Since supporting evidence is limited at this time, the clinical significance of this alteration remains unclear.